The following is an entry in ClinVar:

ClinVar aggregate classification (germline): Uncertain significance (1 of 4 stars; one submission).

Submission:

Labcorp Genetics (formerly Invitae), Labcorp
Classification: Uncertain significance. Last evaluated: 2022-04-12. Review status: criteria provided, single submitter. Criteria: Invitae Variant Classification Sherloc (09022015). Collection method: clinical testing. Allele origin: germline.
Comment: In summary, the available evidence is currently insufficient to determine the role of this variant in disease. Therefore, it has been classified as a Variant of Uncertain Significance. Algorithms developed to predict the effect of missense changes on protein structure and function (SIFT, PolyPhen-2, Align-GVGD) all suggest that this variant is likely to be tolerated. This variant has not been reported in the literature in individuals affected with CAD-related conditions. This variant is not present in population databases (gnomAD no frequency). This sequence change replaces threonine, which is neutral and polar, with alanine, which is neutral and non-polar, at codon 804 of the CAD protein (p.Thr804Ala).

NM_004341.5(CAD):c.2410A>G (p.Thr804Ala)

Genes: CAD (carbamoyl-phosphate synthetase 2, aspartate transcarbamylase, and dihydroorotase; plus strand), LOC126806171 (BRD4-independent group 4 enhancer GRCh37_chr2:27454350-27455549; plus strand). Cytogenetic location: 2p23.3.
Variant type: single nucleotide variant.
Coding change: c.2410A>G on transcript NM_004341.5 (MANE Select); coding-DNA position 2410, A replaced by G.
Protein change: p.Thr804Ala; replaces threonine 804 with alanine.
Molecular consequence: missense variant.
Genome position (GRCh38, 1-based): chr2:27,231,989, A>G. VCF-style: chr2-27231989-A-G. GRCh37 (hg19) VCF-style: chr2-27454857-A-G.
Other names: c.2221A>G, p.Thr741Ala (NM_001306079.2); short protein forms T804A, T741A.
Identifiers: ClinVar variation 2125232 (VCV002125232.4), dbSNP rs2465324836, ClinGen allele CA346211163.